The following is an entry in ClinVar:

ClinVar aggregate classification (germline): Uncertain significance (1 of 4 stars; one submission).

Conditions:
Hereditary cancer-predisposing syndrome. Also called: Neoplastic Syndromes, Hereditary; Tumor predisposition; Hereditary Cancer Syndrome; Hereditary neoplastic syndrome. Identifiers: Orphanet 140162, MedGen C0027672, MeSH D009386, MONDO:0015356.

Submission:

Ambry Genetics
Classification: Uncertain significance for Hereditary cancer-predisposing syndrome. Last evaluated: 2024-12-08. Review status: criteria provided, single submitter. Criteria: Ambry Variant Classification Scheme 2023. Collection method: clinical testing. Allele origin: germline.
Comment: The p.S270C variant (also known as c.808A>T), located in coding exon 4 of the PALB2 gene, results from an A to T substitution at nucleotide position 808. The serine at codon 270 is replaced by cysteine, an amino acid with dissimilar properties. This amino acid position is conserved. In addition, this alteration is predicted to be tolerated by in silico analysis. Based on the available evidence, the clinical significance of this variant remains unclear.

NM_024675.4(PALB2):c.808A>T (p.Ser270Cys)

Gene: PALB2 (partner and localizer of BRCA2; minus strand). Cytogenetic location: 16p12.2.
Variant type: single nucleotide variant.
Coding change: c.808A>T on transcript NM_024675.4 (MANE Select); coding-DNA position 808, A replaced by T.
Protein change: p.Ser270Cys; replaces serine 270 with cysteine.
Molecular consequence: missense variant. On other transcripts: 5 prime UTR variant (8), intron variant (3).
Genome position (GRCh38, 1-based): chr16:23,635,738, T>A on the plus strand (A>T on the coding strand, the complement: PALB2 is on the minus strand). VCF-style: chr16-23635738-T-A. GRCh37 (hg19) VCF-style: chr16-23647059-T-A.
Other names: c.748A>T, p.Ser250Cys (NM_001407296.1); c.808A>T, p.Ser270Cys (NM_001407297.1, NM_001407298.1, NM_001407299.1 and 3 more transcripts); c.-78A>T (NM_001407304.1, NM_001407305.1, NM_001407306.1 and 5 more transcripts); c.48+5372A>T (NM_001407314.1); c.-104-5269A>T (NM_001407313.1, NM_001407312.1); short protein forms S250C, S270C.
Identifiers: ClinVar variation 3413509 (VCV003413509.1).